The following is an entry in ClinVar:

NM_033427.3(CTTNBP2):c.2778+6T>C

Gene: CTTNBP2 (cortactin binding protein 2; minus strand). Cytogenetic location: 7q31.31.
Variant type: single nucleotide variant.
Coding change: c.2778+6T>C on transcript NM_033427.3 (MANE Select); 6 bases into the intron after coding-DNA position 2778, T replaced by C.
Molecular consequence: intron variant.
Genome position (GRCh38, 1-based): chr7:117,777,505, A>G on the plus strand (T>C on the coding strand, the complement: CTTNBP2 is on the minus strand). VCF-style: chr7-117777505-A-G. GRCh37 (hg19) VCF-style: chr7-117417559-A-G.
Other names: NC_000007.13:g.117417559A>G; c.681+6T>C (NM_001363351.1, NM_001363350.1); c.2724+6T>C (NM_001363349.1).
Identifiers: ClinVar variation 3038528 (VCV003038528.3), dbSNP rs75322384, ClinGen allele CA4452393.

ClinVar aggregate classification (germline): Benign (0 of 4 stars; one submission).

Conditions:
CTTNBP2-related disorder. Also called: CTTNBP2-related condition.

Allele frequency attached by ClinVar (database versions not stated): 1000 Genomes Project 0.00120; 1000 Genomes Project 30x 0.00172; TOPMed 0.00236; ExAC 0.00241; gnomAD 0.00257; ESP Exome Variant Server 0.00261; gnomAD exomes 0.00335.
gnomAD v4.1: 5,322 of 1,611,098 alleles (0.33%); highest among the groups gnomAD compares: Middle Eastern, 0.77%; 10 homozygotes.

Submissions (8):

PreventionGenetics, part of Exact Sciences
Classification: Benign for CTTNBP2-related condition. Last evaluated: 2019-06-21. Review status: no assertion criteria provided. Collection method: clinical testing. Allele origin: germline.
Comment: This variant is classified as benign based on ACMG/AMP sequence variant interpretation guidelines (Richards et al. 2015 PMID: 25741868, with internal and published modifications).

Dr. Peter K. Rogan Lab, Western University
No classification provided (evidence only). Condition: Sarcoma. Review status: no classification provided. Collection method: in vitro. Allele origin: not applicable. Functional consequence: retained intron. Not counted in ClinVar's aggregate classification.

Dr. Peter K. Rogan Lab, Western University
No classification provided (evidence only). Condition: Sarcoma. Review status: no classification provided. Collection method: in vitro. Allele origin: not applicable. Functional consequence: retained intron. Not counted in ClinVar's aggregate classification.

Dr. Peter K. Rogan Lab, Western University
No classification provided (evidence only). Condition: Sarcoma. Review status: no classification provided. Collection method: in vitro. Allele origin: not applicable. Functional consequence: skipped exon. Not counted in ClinVar's aggregate classification.

Dr. Peter K. Rogan Lab, Western University
No classification provided (evidence only). Condition: Ovarian serous cystadenocarcinoma. Review status: no classification provided. Collection method: in vitro. Allele origin: not applicable. Functional consequence: retained intron. Not counted in ClinVar's aggregate classification.

Dr. Peter K. Rogan Lab, Western University
No classification provided (evidence only). Condition: Ovarian serous cystadenocarcinoma. Review status: no classification provided. Collection method: in vitro. Allele origin: not applicable. Functional consequence: retained intron. Not counted in ClinVar's aggregate classification.

Dr. Peter K. Rogan Lab, Western University
No classification provided (evidence only). Condition: Malignant tumor of esophagus. Review status: no classification provided. Collection method: in vitro. Allele origin: not applicable. Functional consequence: skipped exon, retained intron. Not counted in ClinVar's aggregate classification.

Dr. Peter K. Rogan Lab, Western University
No classification provided (evidence only). Condition: Familial pancreatic carcinoma. Review status: no classification provided. Collection method: in vitro. Allele origin: not applicable. Functional consequence: retained intron. Not counted in ClinVar's aggregate classification.